The following is an entry in ClinVar:

NM_003238.6(TGFB2):c.336C>G (p.Phe112Leu)

Gene: TGFB2 (transforming growth factor beta 2; plus strand). Cytogenetic location: 1q41.
Variant type: single nucleotide variant.
Coding change: c.336C>G on transcript NM_003238.6 (MANE Select); coding-DNA position 336, C replaced by G.
Protein change: p.Phe112Leu; replaces phenylalanine 112 with leucine.
Molecular consequence: missense variant. On other transcripts: non-coding transcript variant (2).
Genome position (GRCh38, 1-based): chr1:218,347,037, C>G. VCF-style: chr1-218347037-C-G. GRCh37 (hg19) VCF-style: chr1-218520379-C-G.
Other names: c.336C>G, p.Phe112Leu (NM_001135599.4); short protein forms F112L.
Identifiers: ClinVar variation 1730703 (VCV001730703.3), dbSNP rs370808888, ClinGen allele CA1398406.
Genomic context (GRCh38, chr1:218,347,037, plus strand): 5'-GAGGAGCGACGAAGAGTACTACGCCAAGGAGGTTTACAAAATAGACATGCCGCCCTTCTT[C>G]CCCTCCGAAAGTAAGTACTTATTTTGACTTCCATCCCCTGAGGTTTAGCTCTGCCCGGAG-3'
Protein context (NP_003229.1, residues 102-122): EVYKIDMPPF[Phe112Leu]PSENAIPPTF

ClinVar aggregate classification (germline): Uncertain significance (1 of 4 stars; one submission).

Conditions:
Familial thoracic aortic aneurysm and aortic dissection (TAAD). Also called: Thoracic aortic aneurysms and dissections. Identifiers: Orphanet 91387, MedGen C4707243, MONDO:0019625.

Allele frequency attached by ClinVar (database versions not stated): gnomAD exomes below 0.00001; gnomAD 0.00002; TOPMed 0.00003; ESP Exome Variant Server 0.00008.
gnomAD v4.1: 5 of 1,583,720 alleles (0.00032%); highest among the groups gnomAD compares: African/African-American, 0.0067%; no homozygotes.

Submission:

Ambry Genetics
Classification: Uncertain significance for Familial thoracic aortic aneurysm and aortic dissection. Last evaluated: 2024-11-10. Review status: criteria provided, single submitter. Criteria: Ambry Variant Classification Scheme 2023. Collection method: clinical testing. Allele origin: germline.
Comment: The p.F112L variant (also known as c.336C>G), located in coding exon 1 of the TGFB2 gene, results from a C to G substitution at nucleotide position 336. The phenylalanine at codon 112 is replaced by leucine, an amino acid with highly similar properties. This amino acid position is conserved. In addition, this alteration is predicted to be tolerated by in silico analysis. Since supporting evidence is limited at this time, the clinical significance of this alteration remains unclear.